The following is an entry in ClinVar:

NM_024529.5(CDC73):c.419T>C (p.Ile140Thr)

Gene: CDC73 (cell division cycle 73; plus strand). Cytogenetic location: 1q31.2.
Variant type: single nucleotide variant.
Coding change: c.419T>C on transcript NM_024529.5 (MANE Select); coding-DNA position 419, T replaced by C.
Protein change: p.Ile140Thr; replaces isoleucine 140 with threonine.
Molecular consequence: missense variant.
Genome position (GRCh38, 1-based): chr1:193,135,585, T>C. VCF-style: chr1-193135585-T-C. GRCh37 (hg19) VCF-style: chr1-193104715-T-C.
Other names: short protein forms I140T.
Identifiers: ClinVar variation 1738628 (VCV001738628.2), dbSNP rs1675778444, ClinGen allele CA343960791.

ClinVar aggregate classification (germline): Uncertain significance (1 of 4 stars; one submission).

Conditions:
Hereditary cancer-predisposing syndrome. Also called: Hereditary Cancer Syndrome; Hereditary neoplastic syndrome; Neoplastic Syndromes, Hereditary; Tumor predisposition. Identifiers: Orphanet 140162, MedGen C0027672, MeSH D009386, MONDO:0015356.

Submission:

Ambry Genetics
Classification: Uncertain significance for Hereditary cancer-predisposing syndrome. Last evaluated: 2022-02-20. Review status: criteria provided, single submitter. Criteria: Ambry Variant Classification Scheme 2023. Collection method: clinical testing. Allele origin: germline.
Comment: The p.I140T variant (also known as c.419T>C), located in coding exon 5 of the CDC73 gene, results from a T to C substitution at nucleotide position 419. The isoleucine at codon 140 is replaced by threonine, an amino acid with similar properties. This amino acid position is conserved. In addition, this alteration is predicted to be tolerated by in silico analysis. Since supporting evidence is limited at this time, the clinical significance of this alteration remains unclear.